The following is an entry in ClinVar:

NM_003265.3(TLR3):c.1521C>A (p.Asn507Lys)

Gene: TLR3 (toll like receptor 3; plus strand). Cytogenetic location: 4q35.1.
Variant type: single nucleotide variant.
Coding change: c.1521C>A on transcript NM_003265.3 (MANE Select); coding-DNA position 1521, C replaced by A.
Protein change: p.Asn507Lys; replaces asparagine 507 with lysine.
Molecular consequence: missense variant.
Genome position (GRCh38, 1-based): chr4:186,083,207, C>A. VCF-style: chr4-186083207-C-A. GRCh37 (hg19) VCF-style: chr4-187004361-C-A.
Other names: short protein forms N507K.
Identifiers: ClinVar variation 1715854 (VCV001715854.6), dbSNP rs2478226707, ClinGen allele CA358932408.

ClinVar aggregate classification (germline): Uncertain significance (1 of 4 stars; one submission).

Conditions:
Encephalopathy, acute, infection-induced (herpes-specific), susceptibility to, 1. Also called: Herpes simplex encephalitis, susceptibility to, 1. Identifiers: Orphanet 1930, MedGen C2750180, MONDO:0024563, OMIM 610551.

gnomAD v4.1: 1 of 1,614,244 alleles (0.000062%); no homozygotes.

Submission:

Labcorp Genetics (formerly Invitae), Labcorp
Classification: Uncertain significance for Encephalopathy, acute, infection-induced (herpes-specific), susceptibility to, 1. Last evaluated: 2022-08-09. Review status: criteria provided, single submitter. Criteria: Invitae Variant Classification Sherloc (09022015). Collection method: clinical testing. Allele origin: germline.
Comment: This sequence change replaces asparagine, which is neutral and polar, with lysine, which is basic and polar, at codon 507 of the TLR3 protein (p.Asn507Lys). This variant is not present in population databases (gnomAD no frequency). This variant has not been reported in the literature in individuals affected with TLR3-related conditions. Algorithms developed to predict the effect of missense changes on protein structure and function are either unavailable or do not agree on the potential impact of this missense change (SIFT: "Deleterious"; PolyPhen-2: "Possibly Damaging"; Align-GVGD: "Class C0"). In summary, the available evidence is currently insufficient to determine the role of this variant in disease. Therefore, it has been classified as a Variant of Uncertain Significance.